The following is an entry in ClinVar:

NM_032043.3(BRIP1):c.939T>A (p.Tyr313Ter)

Gene: BRIP1 (BRCA1 interacting DNA helicase 1; minus strand). Cytogenetic location: 17q23.2.
Variant type: single nucleotide variant.
Coding change: c.939T>A on transcript NM_032043.3 (MANE Select); coding-DNA position 939, T replaced by A.
Protein change: p.Tyr313Ter; replaces tyrosine 313 with a stop codon.
Molecular consequence: nonsense.
Genome position (GRCh38, 1-based): chr17:61,801,454, A>T on the plus strand (T>A on the coding strand, the complement: BRIP1 is on the minus strand). VCF-style: chr17-61801454-A-T. GRCh37 (hg19) VCF-style: chr17-59878815-A-T.
Other names: short protein forms Y313*.
Identifiers: ClinVar variation 1927682 (VCV001927682.7), dbSNP rs1436085018, ClinGen allele CA400484283.

ClinVar aggregate classification (germline): Pathogenic. Review status: criteria provided, multiple submitters, no conflicts (2 of 4 stars). 2 submissions from 2 submitters: Pathogenic (2). Last evaluated 2023-06-01.

Conditions:
Familial cancer of breast. Also called: BREAST CANCER, FAMILIAL; hereditary breast carcinoma; Hereditary breast cancer. Identifiers: Orphanet 227535, MedGen C0346153, MONDO:0016419, OMIM 114480. Disease mechanism: loss of function.
Fanconi anemia complementation group J. Also called: BRIP1-Related Fanconi Anemia. Identifiers: Orphanet 84, MedGen C1836860, MONDO:0012187, OMIM 609054.

gnomAD v4.1: 1 of 1,612,654 alleles (0.000062%); highest among the groups gnomAD compares: East Asian, 0.0022%; no homozygotes.

Submissions (2):

Myriad Genetics, Inc.
Classification: Pathogenic for Familial cancer of breast. Last evaluated: 2023-06-01. Review status: criteria provided, single submitter. Criteria: Myriad Autosomal Dominant, Autosomal Recessive and X-Linked Classification Criteria (2023). Collection method: clinical testing. Allele origin: unknown.
Comment: This variant is considered pathogenic. This variant creates a termination codon and is predicted to result in premature protein truncation.

Labcorp Genetics (formerly Invitae), Labcorp
Classification: Pathogenic for Familial cancer of breast; Fanconi anemia complementation group J. Last evaluated: 2022-04-07. Review status: criteria provided, single submitter. Criteria: Invitae Variant Classification Sherloc (09022015). Collection method: clinical testing. Allele origin: germline.
Comment: This sequence change creates a premature translational stop signal (p.Tyr313*) in the BRIP1 gene. It is expected to result in an absent or disrupted protein product. Loss-of-function variants in BRIP1 are known to be pathogenic (PMID: 16116423, 17033622, 21964575). This variant is not present in population databases (gnomAD no frequency). For these reasons, this variant has been classified as Pathogenic. This variant has not been reported in the literature in individuals affected with BRIP1-related conditions.

Literature cited by the submitters: PubMed 16116423 (cited by Labcorp Genetics (formerly Invitae), Labcorp); PubMed 17033622 (cited by Labcorp Genetics (formerly Invitae), Labcorp); PubMed 21964575 (cited by Labcorp Genetics (formerly Invitae), Labcorp).